The following is an entry in ClinVar:

NM_006361.6(HOXB13):c.306G>T (p.Gln102His)

Gene: HOXB13 (homeobox B13; minus strand). Cytogenetic location: 17q21.32.
Variant type: single nucleotide variant.
Coding change: c.306G>T on transcript NM_006361.6 (MANE Select); coding-DNA position 306, G replaced by T.
Protein change: p.Gln102His; replaces glutamine 102 with histidine.
Molecular consequence: missense variant.
Genome position (GRCh38, 1-based): chr17:48,728,288, C>A on the plus strand (G>T on the coding strand, the complement: HOXB13 is on the minus strand). VCF-style: chr17-48728288-C-A. GRCh37 (hg19) VCF-style: chr17-46805650-C-A.
Other names: short protein forms Q102H.
Identifiers: ClinVar variation 3654608 (VCV003654608.2).
Genomic context (GRCh38, chr17:48,728,288, plus strand): 5'-GCTGGGGTACTCTTCCCCGGCCGTGGGAGTCTCCGCGGGGTACGCGGCCAGGGTGGCTGC[C>A]TGGGCACAGGGTTTCAGCGAGCTCCGGGACACTCGGCAGGAGTAGTACCCGCCTCCAAAG-3'
Protein context (NP_006352.2, residues 92-112): VSRSSLKPCA[Gln102His]AATLAAYPAE

ClinVar aggregate classification (germline): Uncertain significance (1 of 4 stars; one submission).

Submission:

Labcorp Genetics (formerly Invitae), Labcorp
Classification: Uncertain significance. Last evaluated: 2024-05-26. Review status: criteria provided, single submitter. Criteria: Invitae Variant Classification Sherloc (09022015). Collection method: clinical testing. Allele origin: germline.
Comment: This sequence change replaces glutamine, which is neutral and polar, with histidine, which is basic and polar, at codon 102 of the HOXB13 protein (p.Gln102His). This variant is not present in population databases (gnomAD no frequency). This variant has not been reported in the literature in individuals affected with HOXB13-related conditions. Advanced modeling of protein sequence and biophysical properties (such as structural, functional, and spatial information, amino acid conservation, physicochemical variation, residue mobility, and thermodynamic stability) performed at Invitae indicates that this missense variant is not expected to disrupt HOXB13 protein function with a negative predictive value of 80%. In summary, the available evidence is currently insufficient to determine the role of this variant in disease. Therefore, it has been classified as a Variant of Uncertain Significance.